The following is an entry in ClinVar:

ClinVar aggregate classification (germline): Benign. Review status: criteria provided, single submitter (1 of 4 stars). 2 submissions from 2 submitters: Benign (1). 1 of the submissions does not count toward it. Last evaluated 2025-12-30.

Conditions:
MACF1-related disorder. Also called: MACF1-related condition.

Submissions (2):

Labcorp Genetics (formerly Invitae), Labcorp
Classification: Benign. Last evaluated: 2025-12-30. Review status: criteria provided, single submitter. Criteria: Invitae Variant Classification Sherloc (09022015). Collection method: clinical testing. Allele origin: germline.

PreventionGenetics, part of Exact Sciences
Classification: Likely benign for MACF1-related condition. Last evaluated: 2019-05-31. Review status: no assertion criteria provided. Collection method: clinical testing. Allele origin: germline. Not counted in ClinVar's aggregate classification.
Comment: This variant is classified as likely benign based on ACMG/AMP sequence variant interpretation guidelines (Richards et al. 2015 PMID: 25741868, with internal and published modifications).

NM_001394062.1(MACF1):c.22282-4dup

Gene: MACF1 (microtubule actin crosslinking factor 1; plus strand). Cytogenetic location: 1p34.3.
Variant type: Duplication.
Coding change: c.22282-4dup on transcript NM_001394062.1 (MANE Select); 4 bases into the intron before coding-DNA position 22282, one base duplicated (T; older notation c.22282-4dupT).
Molecular consequence: intron variant.
Genome position (GRCh38, 1-based): chr1:39,484,597, T duplicated; the last of 8 consecutive T bases (chr1:39,484,590-39,484,597); duplicating any one gives the same sequence. VCF-style (leftmost placement, unchanged base first): chr1-39484589-A-AT. GRCh37 (hg19) VCF-style: chr1-39950261-A-AT.
Other names: c.15907-4dup (NM_012090.5); c.10162-4dup (NM_001397473.1); c.15907-4dupT (NM_012090.5).
Identifiers: ClinVar variation 3044577 (VCV003044577.3), dbSNP rs749977198, ClinGen allele CA784854.
Genomic context (GRCh38, chr1:39,484,589, plus strand): 5'-GACCTTTTAAAGTTGAATTTCTGGCAAAGATTTTACCAAGTAAAATGTGACCTTTTTATT[A>AT]TTTTTTTTAAGGTTATCCCATCATCAGGTAGCAAGTTGAAACGACCAACACCAACTTTTC-3'